The following is an entry in ClinVar:

ClinVar aggregate classification (germline): Uncertain significance (1 of 4 stars; one submission).

Conditions:
Birt-Hogg-Dube syndrome. Also called: Birt Hogg Dubé syndrome. Identifiers: Orphanet 122, MedGen C0346010, MONDO:0800444.

Submission:

Labcorp Genetics (formerly Invitae), Labcorp
Classification: Uncertain significance for Birt-Hogg-Dube syndrome. Last evaluated: 2023-11-21. Review status: criteria provided, single submitter. Criteria: Invitae Variant Classification Sherloc (09022015). Collection method: clinical testing. Allele origin: germline.
Comment: This variant, c.880_885del, results in the deletion of 2 amino acid(s) of the FLCN protein (p.Glu294_Glu295del), but otherwise preserves the integrity of the reading frame. This variant is not present in population databases (gnomAD no frequency). This variant has not been reported in the literature in individuals affected with FLCN-related conditions. Experimental studies and prediction algorithms are not available or were not evaluated, and the functional significance of this variant is currently unknown. In summary, the available evidence is currently insufficient to determine the role of this variant in disease. Therefore, it has been classified as a Variant of Uncertain Significance.

NM_144997.7(FLCN):c.880_885del (p.Glu294_Glu295del)

Gene: FLCN (folliculin; minus strand). Cytogenetic location: 17p11.2.
Variant type: Deletion.
Coding change: c.880_885del on transcript NM_144997.7 (MANE Select); coding-DNA positions 880 to 885, 6 bases deleted (GAGGAA; older notation c.880_885delGAGGAA).
Protein change: p.Glu294_Glu295del.
Molecular consequence: inframe deletion.
Genome position (GRCh38, 1-based): chr17:17,219,196-17,219,201, TTCCTC deleted on the plus strand (GAGGAA on the coding strand, the reverse complement: FLCN is on the minus strand); deleting any 6 consecutive bases within chr17:17,219,196-17,219,204 gives the same sequence; the c. name uses the placement nearest the transcript's 3' end. VCF-style (leftmost placement, unchanged base first): chr17-17219195-ATTCCTC-A. GRCh37 (hg19) VCF-style: chr17-17122509-ATTCCTC-A.
Other names: c.934_939del, p.Glu312_Glu313del (NM_001353229.2); c.880_885del, p.Glu294_Glu295del (NM_001353230.2, NM_001353231.2).
Identifiers: ClinVar variation 2697836 (VCV002697836.3), dbSNP rs2544197293, ClinGen allele CA2636354613.